The following is an entry in ClinVar:

NM_000256.3(MYBPC3):c.385G>T (p.Glu129Ter)

Gene: MYBPC3 (myosin binding protein C3; minus strand). Cytogenetic location: 11p11.2.
Variant type: single nucleotide variant.
Coding change: c.385G>T on transcript NM_000256.3 (MANE Select); coding-DNA position 385, G replaced by T.
Protein change: p.Glu129Ter; replaces glutamic acid 129 with a stop codon.
Molecular consequence: nonsense.
Genome position (GRCh38, 1-based): chr11:47,350,523, C>A on the plus strand (G>T on the coding strand, the complement: MYBPC3 is on the minus strand). VCF-style: chr11-47350523-C-A. GRCh37 (hg19) VCF-style: chr11-47372074-C-A.
Other names: short protein forms E129*.
Identifiers: ClinVar variation 3297211 (VCV003297211.1).
Genomic context (GRCh38, chr11:47,350,523, plus strand): 5'-ACCCACGGATCCTGCCCCTCCCTGCCCAGCCCCTCTCACCTTTGGGACTTGGGGCACTTT[C>A]TCCCAGCTCAGCGGCTGGGGCCGGGGCTTCTCCAGGGGCTCCAGTGGCCTCAGCAGGGGC-3'

ClinVar aggregate classification (germline): Pathogenic (1 of 4 stars; one submission).

Conditions:
Cardiovascular phenotype. Identifiers: MedGen CN230736.

Submission:

Ambry Genetics
Classification: Pathogenic for Cardiovascular phenotype. Last evaluated: 2024-03-28. Review status: criteria provided, single submitter. Criteria: Ambry Variant Classification Scheme 2023. Collection method: clinical testing. Allele origin: germline.
Comment: The p.E129* pathogenic mutation (also known as c.385G>T), located in coding exon 3 of the MYBPC3 gene, results from a G to T substitution at nucleotide position 385. This changes the amino acid from a glutamic acid to a stop codon within coding exon 3. This variant is considered to be rare based on population cohorts in the Genome Aggregation Database (gnomAD). This alteration is expected to result in loss of function by premature protein truncation or nonsense-mediated mRNA decay. As such, this alteration is interpreted as a disease-causing mutation.